The following is an entry in ClinVar:

NM_018062.4(FANCL):c.786_787del (p.Leu263fs)

Gene: FANCL (FA complementation group L; minus strand). Cytogenetic location: 2p16.1.
Variant type: Deletion.
Coding change: c.786_787del on transcript NM_018062.4 (MANE Select); coding-DNA positions 786 to 787, 2 bases deleted (CC; older notation c.786_787delCC).
Protein change: p.Leu263fs; shifts the reading frame from leucine 263.
Molecular consequence: frameshift variant. On other transcripts: non-coding transcript variant (1).
Genome position (GRCh38, 1-based): chr2:58,163,063-58,163,064, GG deleted on the plus strand (CC on the coding strand, the reverse complement: FANCL is on the minus strand); deleting any 2 consecutive bases within chr2:58,163,063-58,163,066 gives the same sequence; the c. name uses the placement nearest the transcript's 3' end. VCF-style (leftmost placement, unchanged base first): chr2-58163062-AGG-A. GRCh37 (hg19) VCF-style: chr2-58390197-AGG-A.
Other names: c.801_802del, p.Leu268fs (NM_001114636.2); c.831_832del, p.Leu278fs (NM_001374615.1); c.846_847del, p.Leu283fs (NM_001410792.1); short protein forms L268fs, L278fs, L283fs, L263fs.
Identifiers: ClinVar variation 3709808 (VCV003709808.2).

ClinVar aggregate classification (germline): Pathogenic (1 of 4 stars; one submission).

Conditions:
Fanconi anemia (FA). Also called: Fanconi's anemia. Identifiers: Orphanet 84, MedGen C0015625, MeSH D005199, MONDO:0019391.

Submission:

Labcorp Genetics (formerly Invitae), Labcorp
Classification: Pathogenic for Fanconi anemia. Last evaluated: 2024-08-16. Review status: criteria provided, single submitter. Criteria: Invitae Variant Classification Sherloc (09022015). Collection method: clinical testing. Allele origin: germline.
Comment: This sequence change creates a premature translational stop signal (p.Leu263Glyfs*3) in the FANCL gene. It is expected to result in an absent or disrupted protein product. Loss-of-function variants in FANCL are known to be pathogenic (PMID: 19405097, 23613520). This variant is not present in population databases (gnomAD no frequency). This variant has not been reported in the literature in individuals affected with FANCL-related conditions. For these reasons, this variant has been classified as Pathogenic.

Literature cited by the submitters: PubMed 19405097; PubMed 23613520.